The following is an entry in ClinVar:

ClinVar aggregate classification (germline): Uncertain significance (1 of 4 stars; one submission).

Submission:

Labcorp Genetics (formerly Invitae), Labcorp
Classification: Uncertain significance. Last evaluated: 2022-10-13. Review status: criteria provided, single submitter. Criteria: Invitae Variant Classification Sherloc (09022015). Collection method: clinical testing. Allele origin: germline.
Comment: This variant, c.892_894del, results in the deletion of 1 amino acid(s) of the SLC6A19 protein (p.Asn298del), but otherwise preserves the integrity of the reading frame. This variant is not present in population databases (gnomAD no frequency). This variant has not been reported in the literature in individuals affected with SLC6A19-related conditions. Experimental studies and prediction algorithms are not available or were not evaluated, and the functional significance of this variant is currently unknown. Algorithms developed to predict the effect of sequence changes on RNA splicing suggest that this variant may disrupt the consensus splice site. In summary, the available evidence is currently insufficient to determine the role of this variant in disease. Therefore, it has been classified as a Variant of Uncertain Significance.

NM_001003841.3(SLC6A19):c.889_891AAC[1] (p.Asn298del)

Gene: SLC6A19 (solute carrier family 6 member 19; plus strand). Cytogenetic location: 5p15.33.
Variant type: Microsatellite.
Coding change: c.889_891AAC[1] on transcript NM_001003841.3 (MANE Select).
Protein change: p.Asn298del; deletes asparagine 298.
Molecular consequence: inframe deletion.
Genome position: GRCh38 VCF-style: chr5-1216557-GCAA-G. GRCh37 (hg19) VCF-style: chr5-1216672-GCAA-G.
Other names: short protein forms N298del.
Identifiers: ClinVar variation 1361148 (VCV001361148.8), dbSNP rs2126509074, ClinGen allele CA2580613505.